The following is an entry in ClinVar:

ClinVar aggregate classification (germline): Likely pathogenic (1 of 4 stars; one submission).

Submission:

GeneDx
Classification: Likely pathogenic. Last evaluated: 2015-10-21. Review status: criteria provided, single submitter. Criteria: GeneDx Variant Classification (06012015). Collection method: clinical testing. Allele origin: germline. Affected: yes.
Comment: The C1380R variant has not been published as a pathogenic variant, nor has it been reported as a benign variant to our knowledge. This variant was not observed in approximately 6,500 individuals of European and African American ancestry in the NHLBI Exome Sequencing Project, indicating it is not a common benign variant in these populations. The C1380R variant is a non-conservative amino acid substitution, which is likely to impact secondary protein structure as these residues differ in polarity, charge, size and/or other properties. This substitution occurs at a position that is conserved across species and in silico analysis predicts this variant is probably damaging to the protein structure/function. Furthermore, the C1380R variant affects a Cysteine residue within a calcium-binding EGF-like domain of the FBN1 gene, which may affect disulfide bonding and is predicted to alter the structure and function of the protein. Cysteine substitutions in the calcium-binding EGF-like domains represent the majority of pathogenic missense changes associated with Marfan syndrome (Collod-Beroud et al., 2003). Finally, multiple missense variants in nearby residues (C1374G, C1374Y, C1374S, K1381N, N1382I, N1382S, N1382K) including a different missense variant at the same residue (C1380Y) have been reported in the Human Gene Mutation Database in association with FBN1-related disorders (Stenson et al., 2014), further supporting the functional importance of this residue and region of the protein.Therefore, this variant is likely pathogenic

NM_000138.5(FBN1):c.4138T>C (p.Cys1380Arg)

Gene: FBN1 (fibrillin 1; minus strand). Cytogenetic location: 15q21.1.
Variant type: single nucleotide variant.
Coding change: c.4138T>C on transcript NM_000138.5 (MANE Select); coding-DNA position 4138, T replaced by C.
Protein change: p.Cys1380Arg; replaces cysteine 1380 with arginine.
Molecular consequence: missense variant.
Genome position (GRCh38, 1-based): chr15:48,474,327, A>G on the plus strand (T>C on the coding strand, the complement: FBN1 is on the minus strand). VCF-style: chr15-48474327-A-G. GRCh37 (hg19) VCF-style: chr15-48766524-A-G.
Other names: short protein forms C1380R.
Identifiers: ClinVar variation 429778 (VCV000429778.2), dbSNP rs1131691588, ClinGen allele CA392320268.
Genomic context (GRCh38, chr15:48,474,327, plus strand): 5'-AGCCATCACCTGTGTATCCTTCCTTGCACAGACAGCGGTAAGATCCCATGGTATTCTTGC[A>G]GTCTGCATGCTGGCTGCACATATGGGTTCCATTGGAACATTCGTCCAGATCTTATAGAAA-3'
Protein context (NP_000129.3, residues 1370-1390): GTHMCSQHAD[Cys1380Arg]KNTMGSYRCL